The following is an entry in ClinVar:

ClinVar aggregate classification (germline): conflicting data from submitters (0 of 4 stars; one submission).

Submission:

ISCA site 1
Classification: conflicting data from submitters. Last evaluated: 2015-08-27. Review status: no assertion criteria provided. Collection method: clinical testing. Allele origin: maternal, unknown, paternal. Affected: yes. Observed: 6 variant alleles. Clinical features observed: Recurrent cerebral hemorrhage (HP:0004968), Behavioral abnormality (HP:0000708), Abnormal aggressive, impulsive or violent behavior (HP:0006919), Enuresis nocturna (HP:0010677), Global developmental delay (HP:0001263), Abnormality of the skin (HP:0000951), Short stature (HP:0004322).
Comment: Uncertain significance(5), Likely benign (1)

Copy number variation identified through the course of routine clinical cytogenomic testing in postnatal populations, with clinical assertions as classified by the original submitter. For data from the original published study, Kaminsky, et al. 2011 (PubMed 21844811), please see nstd101.

GRCh38/hg38 15q11.2(chr15:22590191-23102647)x1

Genes: CYFIP1 (cytoplasmic FMR1 interacting protein 1; minus strand), NIPA1 (NIPA magnesium transporter 1; plus strand), NIPA2 (NIPA magnesium transporter 2; plus strand), TUBGCP5 (tubulin gamma complex component 5; minus strand), LOC112272575 (Sharpr-MPRA regulatory region 8478; plus strand) and 15 more. Cytogenetic location: 15q11.2.
Variant type: copy number loss.
Change: copy number 1 (one copy instead of two) of chr15:22,590,191-23,102,647 (512.5 kb, GRCh38 coordinates, 1-based), cytogenetic band 15q11.2.
Identifiers: ClinVar variation 153897 (VCV000153897.3).